The following is an entry in ClinVar:

NM_017780.4(CHD7):c.4077G>C (p.Arg1359Ser)

Gene: CHD7 (chromodomain helicase DNA binding protein 7; plus strand). Cytogenetic location: 8q12.2.
Variant type: single nucleotide variant.
Coding change: c.4077G>C on transcript NM_017780.4 (MANE Select); coding-DNA position 4077, G replaced by C.
Protein change: p.Arg1359Ser; replaces arginine 1359 with serine.
Molecular consequence: missense variant. On other transcripts: intron variant (1).
Genome position (GRCh38, 1-based): chr8:60,836,904, G>C. VCF-style: chr8-60836904-G-C. GRCh37 (hg19) VCF-style: chr8-61749463-G-C.
Other names: c.1717-25325G>C (NM_001316690.1); short protein forms R1359S.
Identifiers: ClinVar variation 3832844 (VCV003832844.1).

ClinVar aggregate classification (germline): Uncertain significance (1 of 4 stars; one submission).

Conditions:
Inborn genetic diseases. Identifiers: MedGen C0950123, MeSH D030342.

Submission:

Ambry Genetics
Classification: Uncertain significance for Inborn genetic diseases. Last evaluated: 2025-01-06. Review status: criteria provided, single submitter. Criteria: Ambry Variant Classification Scheme 2023. Collection method: clinical testing. Allele origin: germline.
Comment: The p.R1359S variant (also known as c.4077G>C), located in coding exon 16 of the CHD7 gene, results from a G to C substitution at nucleotide position 4077. The arginine at codon 1359 is replaced by serine, an amino acid with dissimilar properties. This amino acid position is conserved. In addition, the in silico prediction for this alteration is inconclusive. Based on the available evidence, the clinical significance of this variant remains unclear.